The following is an entry in ClinVar:

ClinVar aggregate classification (germline): Uncertain significance. Review status: criteria provided, multiple submitters, no conflicts (2 of 4 stars). 8 submissions from 8 submitters: Uncertain significance (8). Last evaluated 2026-02-02.

Conditions:
Progressive myoclonic epilepsy. Also called: Familial progressive myoclonic epilepsy; Myoclonic Epilepsies, Progressive; Progressive myoclonus epilepsy; Myoclonus epilepsy. Identifiers: Orphanet 308, Orphanet 98261, MedGen C0751778, MONDO:0020074.
Inborn genetic diseases. Identifiers: MedGen C0950123, MeSH D030342.
Action myoclonus-renal failure syndrome. Also called: EPILEPSY, PROGRESSIVE MYOCLONIC, 4, WITH RENAL FAILURE; EPILEPSY, PROGRESSIVE MYOCLONIC, 4, WITHOUT RENAL FAILURE; SCARB2-Related Action Myoclonus-Renal Failure Syndrome; MYOCLONUS-NEPHROPATHY SYNDROME. Identifiers: Orphanet 163696, MedGen C0751779, MeSH D020191, MONDO:0009699, OMIM 254900.

Allele frequency attached by ClinVar (database versions not stated): gnomAD 0.00012 and 0.00013; TOPMed 0.00012; ESP Exome Variant Server 0.00015; gnomAD exomes 0.00020 and 0.00023; ExAC 0.00027.
gnomAD v4.1: 311 of 1,614,144 alleles (0.019%); highest among the groups gnomAD compares: East Asian, 0.06%; 1 homozygote.

Submissions (8):

Labcorp Genetics (formerly Invitae), Labcorp
Classification: Uncertain significance for Progressive myoclonic epilepsy. Last evaluated: 2026-02-02. Review status: criteria provided, single submitter. Criteria: Invitae Variant Classification Sherloc (09022015). Collection method: clinical testing. Allele origin: germline.
Comment: This sequence change replaces threonine, which is neutral and polar, with methionine, which is neutral and non-polar, at codon 421 of the SCARB2 protein (p.Thr421Met). This variant is present in population databases (rs149474488, gnomAD 0.07%). This missense change has been observed in individual(s) with Parkinson's disease (PMID: 34867278). ClinVar contains an entry for this variant (Variation ID: 206716). Invitae Evidence Modeling of protein sequence and biophysical properties (such as structural, functional, and spatial information, amino acid conservation, physicochemical variation, residue mobility, and thermodynamic stability) indicates that this missense variant is not expected to disrupt SCARB2 protein function with a negative predictive value of 80%. In summary, the available evidence is currently insufficient to determine the role of this variant in disease. Therefore, it has been classified as a Variant of Uncertain Significance.

GeneDx
Classification: Uncertain significance. Last evaluated: 2025-12-19. Review status: criteria provided, single submitter. Criteria: GeneDx Variant Classification Process June 2021. Collection method: clinical testing. Allele origin: germline. Affected: yes.
Comment: Reported previously as a variant of uncertain significance in three patients with Parkinson's disease and one control sample; however, no further clinical or segregation information was provided (PMID: 34867278); In silico analysis suggests that this missense variant does not alter protein structure/function; This variant is associated with the following publications: (PMID: 34867278)

Blueprint Genetics
Classification: Uncertain significance. Last evaluated: 2024-06-28. Review status: criteria provided, single submitter. Criteria: ACMG Guidelines, 2015. Collection method: clinical testing. Allele origin: germline.

Fulgent Genetics
Classification: Uncertain significance for Action myoclonus-renal failure syndrome. Last evaluated: 2024-01-11. Review status: criteria provided, single submitter. Criteria: ACMG Guidelines, 2015. Collection method: clinical testing. Allele origin: germline.

Ambry Genetics
Classification: Uncertain significance for Inborn genetic diseases. Last evaluated: 2021-06-29. Review status: criteria provided, single submitter. Criteria: Ambry Variant Classification Scheme 2023. Collection method: clinical testing. Allele origin: germline.

Athena Diagnostics
Classification: Uncertain significance. Last evaluated: 2017-10-17. Review status: criteria provided, single submitter. Criteria: Athena Diagnostics Criteria. Collection method: clinical testing. Allele origin: germline.

Eurofins Ntd Llc (ga)
Classification: Uncertain significance. Last evaluated: 2015-06-30. Review status: criteria provided, single submitter. Criteria: EGL Classification Definitions 2015. Collection method: clinical testing. Allele origin: germline. Observed: 1 variant allele, 1 heterozygote.

Breakthrough Genomics
Classification: Uncertain significance. Review status: criteria provided, single submitter. Criteria: ACMG Guidelines, 2015. Collection method: not provided. Allele origin: germline. Inheritance: Autosomal recessive inheritance. Affected: yes.

Literature cited by the submitters: PubMed 34867278 (cited by Labcorp Genetics (formerly Invitae), Labcorp).

NM_005506.4(SCARB2):c.1262C>T (p.Thr421Met)

Gene: SCARB2 (scavenger receptor class B member 2; minus strand). Cytogenetic location: 4q21.1.
Variant type: single nucleotide variant.
Coding change: c.1262C>T on transcript NM_005506.4 (MANE Select); coding-DNA position 1262, C replaced by T.
Protein change: p.Thr421Met; replaces threonine 421 with methionine.
Molecular consequence: missense variant.
Genome position (GRCh38, 1-based): chr4:76,163,361, G>A on the plus strand (C>T on the coding strand, the complement: SCARB2 is on the minus strand). VCF-style: chr4-76163361-G-A. GRCh37 (hg19) VCF-style: chr4-77084514-G-A.
Other names: p.T421M:ACG>ATG; c.833C>T, p.Thr278Met (NM_001204255.2); short protein forms T421M, T278M.
Identifiers: ClinVar variation 206716 (VCV000206716.25), dbSNP rs149474488, ClinGen allele CA317078.
Genomic context (GRCh38, chr4:76,163,361, plus strand): 5'-ATGTAGGGTATGTTGGTGATGATCAAAGTAGTGTTAATCATAGACTTCAGTCGACTCGCC[G>A]TCTCTTTATCAATGTGAACACTCTGGAGAGGCAAGAAAATAGTATTCTTGATGACTAAAC-3'
Protein context (NP_005497.1, residues 411-431): LNESVHIDKE[Thr421Met]ASRLKSMINT